The following is an entry in ClinVar:

NM_001127221.2(CACNA1A):c.5582C>T (p.Pro1861Leu)

Gene: CACNA1A (calcium voltage-gated channel subunit alpha1 A; minus strand). Cytogenetic location: 19p13.13.
Variant type: single nucleotide variant.
Coding change: c.5582C>T on transcript NM_001127221.2 (MANE Plus Clinical); coding-DNA position 5582, C replaced by T.
Protein change: p.Pro1861Leu; replaces proline 1861 with leucine.
Molecular consequence: missense variant. On other transcripts: intron variant (4).
Genome position (GRCh38, 1-based): chr19:13,228,745, G>A on the plus strand (C>T on the coding strand, the complement: CACNA1A is on the minus strand). VCF-style: chr19-13228745-G-A. GRCh37 (hg19) VCF-style: chr19-13339559-G-A.
Other names: c.5529-1218C>T (NM_001127222.2); c.5538-1218C>T (NM_001174080.2); c.5547-1218C>T (NM_000068.4, NM_023035.3); short protein forms P1861L.
Identifiers: ClinVar variation 2944961 (VCV002944961.3), dbSNP rs2512610664, ClinGen allele CA404331508.
Genomic context (GRCh38, chr19:13,228,745, plus strand): 5'-AGTGGAAGTCAAACCTTGCAAGCAACCCTATGAGGACATTTCTTGCCTAAGCCGAGAGGG[G>A]GAGATATTACTCGTAATAAACTGTACATATCCTTATAATGAATCCGACCGCTGAAAGGAG-3'
Protein context (NP_001120693.1, residues 1851-1871): DMYSLLRVIS[Pro1861Leu]PLGLGKKCPH

ClinVar aggregate classification (germline): Uncertain significance (1 of 4 stars; one submission).

Conditions:
Episodic ataxia type 2 (EA2). Also called: CEREBELLAR ATAXIA, PAROXYSMAL, ACETAZOLAMIDE-RESPONSIVE; CEREBELLOPATHY, HEREDITARY PAROXYSMAL; EPISODIC ATAXIA, NYSTAGMUS-ASSOCIATED; ACETAZOLAMIDE-RESPONSIVE HEREDITARY PAROXYSMAL CEREBELLAR ATAXIA; ATAXIA, EPISODIC, WITH NYSTAGMUS; ATAXIA, FAMILIAL PAROXYSMAL. Identifiers: Orphanet 97, MedGen C1720416, MONDO:0007163, OMIM 108500.
Developmental and epileptic encephalopathy, 42 (DEE42A). Also called: Epileptic encephalopathy, early infantile, 42; DEVELOPMENTAL AND EPILEPTIC ENCEPHALOPATHY 42A; EPILEPTIC ENCEPHALOPATHY, EARLY INFANTILE, 42A. Identifiers: MedGen C4310716, MONDO:0014917, OMIM 617106.

Submission:

Labcorp Genetics (formerly Invitae), Labcorp
Classification: Uncertain significance for Developmental and epileptic encephalopathy, 42; Episodic ataxia type 2. Last evaluated: 2025-12-24. Review status: criteria provided, single submitter. Criteria: Invitae Variant Classification Sherloc (09022015). Collection method: clinical testing. Allele origin: germline.
Comment: This sequence change replaces proline, which is neutral and non-polar, with leucine, which is neutral and non-polar, at codon 1861 of the CACNA1A protein (p.Pro1861Leu). This variant is not present in population databases (gnomAD no frequency). This variant has not been reported in the literature in individuals affected with CACNA1A-related conditions. ClinVar contains an entry for this variant (Variation ID: 2944961). Invitae Evidence Modeling of protein sequence and biophysical properties (such as structural, functional, and spatial information, amino acid conservation, physicochemical variation, residue mobility, and thermodynamic stability) has been performed for this missense variant. However, the output from this modeling did not meet the statistical confidence thresholds required to predict the impact of this variant on CACNA1A protein function. In summary, the available evidence is currently insufficient to determine the role of this variant in disease. Therefore, it has been classified as a Variant of Uncertain Significance.